The following is an entry in ClinVar:

NM_004656.4(BAP1):c.681C>T (p.Arg227=)

Gene: BAP1 (BRCA1 associated deubiquitinase 1; minus strand). Cytogenetic location: 3p21.1.
Variant type: single nucleotide variant.
Coding change: c.681C>T on transcript NM_004656.4 (MANE Select); coding-DNA position 681, C replaced by T.
Protein change: p.Arg227=; no amino-acid change (arginine 227 retained).
Molecular consequence: synonymous variant.
Genome position (GRCh38, 1-based): chr3:52,406,355, G>A on the plus strand (C>T on the coding strand, the complement: BAP1 is on the minus strand). VCF-style: chr3-52406355-G-A. GRCh37 (hg19) VCF-style: chr3-52440371-G-A.
Other names: c.681C>T (LRG_529t1).
Identifiers: ClinVar variation 485249 (VCV000485249.20), dbSNP rs772237661, ClinGen allele CA2437018.
Genomic context (GRCh38, chr3:52,406,355, plus strand): 5'-CACATGCAGCCTGGCCTCATACTTGATCCTGCGGTCGGGCACCACTGCCATCAGGTTGAA[G>A]CGGATGTCGTGGTAGGGCTCCCTGCAGTCACAGCCGCAGCCGTGAGAGCAGCTCCCGCCC-3'
Protein context (NP_004647.1, residues 217-237): ATAGEPYHDI[Arg227=]FNLMAVVPDR

ClinVar aggregate classification (germline): Benign/Likely benign. Review status: criteria provided, multiple submitters, no conflicts (2 of 4 stars). 5 submissions from 5 submitters: Benign (1); Likely benign (4). Last evaluated 2026-01-15.

Conditions:
Hereditary cancer-predisposing syndrome. Also called: Neoplastic Syndromes, Hereditary; Tumor predisposition; Hereditary Cancer Syndrome; Hereditary neoplastic syndrome. Identifiers: Orphanet 140162, MedGen C0027672, MeSH D009386, MONDO:0015356.
BAP1-related tumor predisposition syndrome (TPDS1). Also called: Tumor susceptibility linked to germline BAP1 mutations; BAP1 tumor predisposition syndrome; COMMON Syndrome; TUMOR PREDISPOSITION SYNDROME 1. Identifiers: Orphanet 289539, MedGen C3280492, MONDO:0013692, OMIM 614327.

Allele frequency attached by ClinVar (database versions not stated): ExAC 0.00001; TOPMed 0.00001; gnomAD 0.00003 and 0.00004; gnomAD exomes 0.00003.
gnomAD v4.1: 144 of 1,613,926 alleles (0.0089%); highest among the groups gnomAD compares: Non-Finnish European, 0.012%; no homozygotes.

Submissions (5):

Labcorp Genetics (formerly Invitae), Labcorp
Classification: Likely benign for BAP1-related tumor predisposition syndrome. Last evaluated: 2026-01-15. Review status: criteria provided, single submitter. Criteria: Invitae Variant Classification Sherloc (09022015). Collection method: clinical testing. Allele origin: germline.

Myriad Genetics, Inc.
Classification: Benign for BAP1-related tumor predisposition syndrome. Last evaluated: 2024-07-15. Review status: criteria provided, single submitter. Criteria: Myriad Autosomal Dominant, Autosomal Recessive and X-Linked Classification Criteria (2023). Collection method: clinical testing. Allele origin: unknown.
Comment: This variant is considered benign. This variant is a silent/synonymous amino acid change and it is not expected to impact splicing.

GeneDx
Classification: Likely benign. Last evaluated: 2019-09-16. Review status: criteria provided, single submitter. Criteria: GeneDx Variant Classification Process June 2021. Collection method: clinical testing. Allele origin: germline. Affected: yes.

Color Diagnostics, LLC DBA Color Health
Classification: Likely benign for Hereditary cancer-predisposing syndrome. Last evaluated: 2016-08-15. Review status: criteria provided, single submitter. Criteria: ACMG Guidelines, 2015. Collection method: clinical testing. Allele origin: germline.

Ambry Genetics
Classification: Likely benign for Hereditary cancer-predisposing syndrome. Last evaluated: 2016-06-27. Review status: criteria provided, single submitter. Criteria: Ambry Variant Classification Scheme 2023. Collection method: clinical testing. Allele origin: germline.